The following is an entry in ClinVar:

NM_005529.7(HSPG2):c.7058C>T (p.Ala2353Val)

Gene: HSPG2 (heparan sulfate proteoglycan 2; minus strand). Cytogenetic location: 1p36.12.
Variant type: single nucleotide variant.
Coding change: c.7058C>T on transcript NM_005529.7 (MANE Select); coding-DNA position 7058, C replaced by T.
Protein change: p.Ala2353Val; replaces alanine 2353 with valine.
Molecular consequence: missense variant.
Genome position (GRCh38, 1-based): chr1:21,851,646, G>A on the plus strand (C>T on the coding strand, the complement: HSPG2 is on the minus strand). VCF-style: chr1-21851646-G-A. GRCh37 (hg19) VCF-style: chr1-22178139-G-A.
Other names: c.7061C>T, p.Ala2354Val (NM_001291860.2); c.7058C>T (NM_005529.5); short protein forms A2353V, A2354V.
Identifiers: ClinVar variation 1987763 (VCV001987763.2), dbSNP rs772246219, ClinGen allele CA671323.

ClinVar aggregate classification (germline): Uncertain significance. Review status: criteria provided, multiple submitters, no conflicts (2 of 4 stars). 2 submissions from 2 submitters: Uncertain significance (2). Last evaluated 2024-07-26.

Conditions:
Inborn genetic diseases. Identifiers: MedGen C0950123, MeSH D030342.

Allele frequency attached by ClinVar (database versions not stated): gnomAD 0.00001; gnomAD exomes 0.00001; TOPMed 0.00001; ExAC 0.00002.
gnomAD v4.1: 17 of 1,613,894 alleles (0.0011%); highest among the groups gnomAD compares: African/African-American, 0.0013%; no homozygotes.

Submissions (2):

Ambry Genetics
Classification: Uncertain significance for Inborn genetic diseases. Last evaluated: 2024-07-26. Review status: criteria provided, single submitter. Criteria: Ambry Variant Classification Scheme 2023. Collection method: clinical testing. Allele origin: germline.

Labcorp Genetics (formerly Invitae), Labcorp
Classification: Uncertain significance. Last evaluated: 2022-04-23. Review status: criteria provided, single submitter. Criteria: Invitae Variant Classification Sherloc (09022015). Collection method: clinical testing. Allele origin: germline.
Comment: This sequence change replaces alanine, which is neutral and non-polar, with valine, which is neutral and non-polar, at codon 2353 of the HSPG2 protein (p.Ala2353Val). This variant is present in population databases (rs772246219, gnomAD 0.004%). This variant has not been reported in the literature in individuals affected with HSPG2-related conditions. Algorithms developed to predict the effect of missense changes on protein structure and function are either unavailable or do not agree on the potential impact of this missense change (SIFT: "Deleterious"; PolyPhen-2: "Benign"; Align-GVGD: "Class C0"). In summary, the available evidence is currently insufficient to determine the role of this variant in disease. Therefore, it has been classified as a Variant of Uncertain Significance.